The following is an entry in ClinVar:

NM_001134363.3(RBM20):c.3317-20C>T

Gene: RBM20 (RNA binding motif protein 20; plus strand). Cytogenetic location: 10q25.2.
Variant type: single nucleotide variant.
Coding change: c.3317-20C>T on transcript NM_001134363.3 (MANE Select); 20 bases into the intron before coding-DNA position 3317, C replaced by T.
Molecular consequence: intron variant.
Genome position (GRCh38, 1-based): chr10:110,823,460, C>T. VCF-style: chr10-110823460-C-T. GRCh37 (hg19) VCF-style: chr10-112583218-C-T.
Other names: c.3317-20C>T (LRG_382t1).
Identifiers: ClinVar variation 202051 (VCV000202051.15), dbSNP rs202039414, ClinGen allele CA335526.

ClinVar aggregate classification (germline): Benign/Likely benign. Review status: criteria provided, multiple submitters, no conflicts (2 of 4 stars). 8 submissions from 8 submitters: Benign (2); Likely benign (2). 4 of the submissions do not count toward it. Last evaluated 2026-02-03.

Conditions:
Dilated cardiomyopathy 1DD (CMD1DD). Identifiers: Orphanet 154, MedGen C2750995, MONDO:0013168, OMIM 613172.

Allele frequency attached by ClinVar (database versions not stated): ExAC 0.00111.

Submissions (8):

Labcorp Genetics (formerly Invitae), Labcorp
Classification: Likely benign for Dilated cardiomyopathy 1DD. Last evaluated: 2026-02-03. Review status: criteria provided, single submitter. Criteria: Invitae Variant Classification Sherloc (09022015). Collection method: clinical testing. Allele origin: germline.

Blueprint Genetics
Classification: Likely benign. Last evaluated: 2024-11-22. Review status: criteria provided, single submitter. Criteria: ACMG Guidelines, 2015. Collection method: clinical testing. Allele origin: germline.

Women's Health and Genetics/Laboratory Corporation of America, LabCorp
Classification: Benign. Last evaluated: 2022-12-25. Review status: criteria provided, single submitter. Criteria: LabCorp Variant Classification Summary - May 2015. Collection method: clinical testing. Allele origin: germline.

GeneDx
Classification: Benign. Last evaluated: 2014-08-21. Review status: criteria provided, single submitter. Criteria: GeneDx Variant Classification (06012015). Collection method: clinical testing. Allele origin: germline. Affected: yes.
Comment: This variant is considered likely benign or benign based on one or more of the following criteria: it is a conservative change, it occurs at a poorly conserved position in the protein, it is predicted to be benign by multiple in silico algorithms, and/or has population frequency not consistent with disease.

Clinical Genetics DNA and cytogenetics Diagnostics Lab, Erasmus MC, Erasmus Medical Center
Classification: Likely benign. Review status: no assertion criteria provided. Collection method: clinical testing. Allele origin: germline. Affected: yes. Study: VKGL Data-share Consensus. Not counted in ClinVar's aggregate classification.

Clinical Genetics, Academic Medical Center
Classification: Benign. Review status: no assertion criteria provided. Collection method: clinical testing. Allele origin: germline. Affected: yes. Study: VKGL Data-share Consensus. Not counted in ClinVar's aggregate classification.

Genome Diagnostics Laboratory, University Medical Center Utrecht
Classification: Likely benign. Review status: no assertion criteria provided. Collection method: clinical testing. Allele origin: germline. Affected: yes. Study: VKGL Data-share Consensus. Not counted in ClinVar's aggregate classification.

Joint Genome Diagnostic Labs from Nijmegen and Maastricht, Radboudumc and MUMC+
Classification: Benign. Review status: no assertion criteria provided. Collection method: clinical testing. Allele origin: germline. Affected: yes. Study: VKGL Data-share Consensus. Not counted in ClinVar's aggregate classification.